The following is an entry in ClinVar:

ClinVar aggregate classification (germline): Uncertain significance. Review status: criteria provided, multiple submitters, no conflicts (2 of 4 stars). 2 submissions from 2 submitters: Uncertain significance (2). Last evaluated 2025-09-18.

Conditions:
Inborn genetic diseases. Identifiers: MedGen C0950123, MeSH D030342.
Autosomal dominant Parkinson disease 8. Also called: LRRK2-Related Parkinson Disease; Parkinson disease 8; Parkinson disease 8, susceptibility to. Identifiers: Orphanet 411602, MedGen C1846862, MONDO:0011764, OMIM 607060.

Allele frequency attached by ClinVar (database versions not stated): gnomAD exomes below 0.00001; ExAC 0.00001.
gnomAD v4.1: 1 of 1,614,068 alleles (0.000062%); highest among the groups gnomAD compares: Non-Finnish European, 0.000085%; no homozygotes.

Submissions (2):

Labcorp Genetics (formerly Invitae), Labcorp
Classification: Uncertain significance for Autosomal dominant Parkinson disease 8. Last evaluated: 2025-09-18. Review status: criteria provided, single submitter. Criteria: Invitae Variant Classification Sherloc (09022015). Collection method: clinical testing. Allele origin: germline.
Comment: This sequence change replaces glutamine, which is neutral and polar, with arginine, which is basic and polar, at codon 1020 of the LRRK2 protein (p.Gln1020Arg). This variant is present in population databases (no rsID available, gnomAD 0.006%). This variant has not been reported in the literature in individuals affected with LRRK2-related conditions. ClinVar contains an entry for this variant (Variation ID: 2567429). Invitae Evidence Modeling of protein sequence and biophysical properties (such as structural, functional, and spatial information, amino acid conservation, physicochemical variation, residue mobility, and thermodynamic stability) has been performed for this missense variant. However, the output from this modeling did not meet the statistical confidence thresholds required to predict the impact of this variant on LRRK2 protein function. In summary, the available evidence is currently insufficient to determine the role of this variant in disease. Therefore, it has been classified as a Variant of Uncertain Significance.

Ambry Genetics
Classification: Uncertain significance for Inborn genetic diseases. Last evaluated: 2023-05-27. Review status: criteria provided, single submitter. Criteria: Ambry Variant Classification Scheme 2023. Collection method: clinical testing. Allele origin: germline.
Comment: The p.Q1020R variant (also known as c.3059A>G), located in coding exon 23 of the LRRK2 gene, results from an A to G substitution at nucleotide position 3059. The glutamine at codon 1020 is replaced by arginine, an amino acid with highly similar properties. This amino acid position is conserved. In addition, the in silico prediction for this alteration is inconclusive. Since supporting evidence is limited at this time, the clinical significance of this alteration remains unclear.

NM_198578.4(LRRK2):c.3059A>G (p.Gln1020Arg)

Gene: LRRK2 (leucine rich repeat kinase 2; plus strand). Cytogenetic location: 12q12.
Variant type: single nucleotide variant.
Coding change: c.3059A>G on transcript NM_198578.4 (MANE Select); coding-DNA position 3059, A replaced by G.
Protein change: p.Gln1020Arg; replaces glutamine 1020 with arginine.
Molecular consequence: missense variant.
Genome position (GRCh38, 1-based): chr12:40,295,607, A>G. VCF-style: chr12-40295607-A-G. GRCh37 (hg19) VCF-style: chr12-40689409-A-G.
Other names: short protein forms Q1020R.
Identifiers: ClinVar variation 2567429 (VCV002567429.3), dbSNP rs1555184621, ClinGen allele CA6513817.